The following is an entry in ClinVar:

ClinVar aggregate classification (germline): Uncertain significance (1 of 4 stars; one submission).

gnomAD v4.1: 22 of 1,613,526 alleles (0.0014%); highest among the groups gnomAD compares: Non-Finnish European, 0.0018%; no homozygotes.

Submission:

Labcorp Genetics (formerly Invitae), Labcorp
Classification: Uncertain significance. Last evaluated: 2025-01-28. Review status: criteria provided, single submitter. Criteria: Invitae Variant Classification Sherloc (09022015). Collection method: clinical testing. Allele origin: germline.
Comment: This sequence change replaces asparagine, which is neutral and polar, with lysine, which is basic and polar, at codon 601 of the SYNPO protein (p.Asn601Lys). This variant is present in population databases (no rsID available, gnomAD 0.0009%). This variant has not been reported in the literature in individuals affected with SYNPO-related conditions. An algorithm developed to predict the effect of missense changes on protein structure and function (PolyPhen-2) suggests that this variant is likely to be tolerated. In summary, the available evidence is currently insufficient to determine the role of this variant in disease. Therefore, it has been classified as a Variant of Uncertain Significance.

NM_007286.6(SYNPO):c.1803C>G (p.Asn601Lys)

Gene: SYNPO (synaptopodin; plus strand). Cytogenetic location: 5q33.1.
Variant type: single nucleotide variant.
Coding change: c.1803C>G on transcript NM_007286.6 (MANE Select); coding-DNA position 1803, C replaced by G.
Protein change: p.Asn601Lys; replaces asparagine 601 with lysine.
Molecular consequence: missense variant.
Genome position (GRCh38, 1-based): chr5:150,650,078, C>G. VCF-style: chr5-150650078-C-G. GRCh37 (hg19) VCF-style: chr5-150029640-C-G.
Other names: c.1803C>G, p.Asn601Lys (NM_001109974.3); c.2535C>G, p.Asn845Lys (NM_001166208.2, NM_001166209.2); short protein forms N601K, N845K.
Identifiers: ClinVar variation 3678108 (VCV003678108.2).